The following is an entry in ClinVar:

NM_002382.5(MAX):c.380A>G (p.Lys127Arg)

Gene: MAX (MYC associated transcriptional regulator X; minus strand). Cytogenetic location: 14q23.3.
Variant type: single nucleotide variant.
Coding change: c.380A>G on transcript NM_002382.5 (MANE Select); coding-DNA position 380, A replaced by G.
Protein change: p.Lys127Arg; replaces lysine 127 with arginine.
Molecular consequence: missense variant. On other transcripts: 3 prime UTR variant (1), intron variant (2).
Genome position (GRCh38, 1-based): chr14:65,076,579, T>C on the plus strand (A>G on the coding strand, the complement: MAX is on the minus strand). VCF-style: chr14-65076579-T-C. GRCh37 (hg19) VCF-style: chr14-65543297-T-C.
Other names: c.191A>G, p.Lys64Arg (NM_001320415.2, NM_001407105.1, NM_001407106.1 and 1 more transcripts); c.380A>G, p.Lys127Arg (NM_001407094.1); c.353A>G, p.Lys118Arg (NM_001407095.1, NM_145112.3); c.*153A>G (NM_001407096.1, NM_001407099.1, NM_001407102.1 and 2 more transcripts); c.*169A>G (NM_001407097.1, NM_001407100.1, NM_001407101.1 and 4 more transcripts); c.272A>G, p.Lys91Arg (NM_001407098.1); c.179A>G, p.Lys60Arg (NM_001407111.1, NM_001407112.1); c.144+17129A>G (NM_001271069.2); and 1 more; short protein forms K127R, K118R, K64R, K91R, K60R.
Identifiers: ClinVar variation 843760 (VCV000843760.11), dbSNP rs2063062410, ClinGen allele CA390031701.

ClinVar aggregate classification (germline): Uncertain significance. Review status: criteria provided, multiple submitters, no conflicts (2 of 4 stars). 2 submissions from 2 submitters: Uncertain significance (2). Last evaluated 2025-05-03.

Conditions:
Hereditary pheochromocytoma and paraganglioma. Also called: Hereditary pheochromocytoma-paraganglioma; Hereditary paragangliomas and pheochromocytomas; Hereditary Paraganglioma-Pheochromocytoma Syndromes. Identifiers: Orphanet 29072, MedGen C4274332, MONDO:0017366.
Hereditary cancer-predisposing syndrome. Also called: Hereditary Cancer Syndrome; Tumor predisposition; Neoplastic Syndromes, Hereditary; Hereditary neoplastic syndrome. Identifiers: Orphanet 140162, MedGen C0027672, MeSH D009386, MONDO:0015356.

Allele frequency attached by ClinVar (database versions not stated): gnomAD exomes 0.00001.
gnomAD v4.1: 4 of 1,614,134 alleles (0.00025%); highest among the groups gnomAD compares: Non-Finnish European, 0.00034%; no homozygotes.

Submissions (2):

Ambry Genetics
Classification: Uncertain significance for Hereditary cancer-predisposing syndrome. Last evaluated: 2025-05-03. Review status: criteria provided, single submitter. Criteria: Ambry Variant Classification Scheme 2023. Collection method: clinical testing. Allele origin: germline.
Comment: The p.K127R variant (also known as c.380A>G), located in coding exon 5 of the MAX gene, results from an A to G substitution at nucleotide position 380. The lysine at codon 127 is replaced by arginine, an amino acid with highly similar properties. This amino acid position is conserved. In addition, the in silico prediction for this alteration is inconclusive. Based on the available evidence, the clinical significance of this variant remains unclear.

Labcorp Genetics (formerly Invitae), Labcorp
Classification: Uncertain significance for Hereditary pheochromocytoma and paraganglioma. Last evaluated: 2024-06-04. Review status: criteria provided, single submitter. Criteria: Invitae Variant Classification Sherloc (09022015). Collection method: clinical testing. Allele origin: germline.
Comment: This sequence change replaces lysine, which is basic and polar, with arginine, which is basic and polar, at codon 127 of the MAX protein (p.Lys127Arg). This variant is not present in population databases (gnomAD no frequency). This variant has not been reported in the literature in individuals affected with MAX-related conditions. ClinVar contains an entry for this variant (Variation ID: 843760). An algorithm developed to predict the effect of missense changes on protein structure and function (PolyPhen-2) suggests that this variant is likely to be tolerated. In summary, the available evidence is currently insufficient to determine the role of this variant in disease. Therefore, it has been classified as a Variant of Uncertain Significance.